The following is an entry in ClinVar:

NM_005430.4(WNT1):c.104+6T>C

Gene: WNT1 (Wnt family member 1; plus strand). Cytogenetic location: 12q13.12.
Variant type: single nucleotide variant.
Coding change: c.104+6T>C on transcript NM_005430.4 (MANE Select); 6 bases into the intron after coding-DNA position 104, T replaced by C.
Molecular consequence: intron variant.
Genome position (GRCh38, 1-based): chr12:48,978,760, T>C. VCF-style: chr12-48978760-T-C. GRCh37 (hg19) VCF-style: chr12-49372543-T-C.
Identifiers: ClinVar variation 1464591 (VCV001464591.6), dbSNP rs749548241, ClinGen allele CA6544313.

ClinVar aggregate classification (germline): Uncertain significance (1 of 4 stars; one submission).

Allele frequency attached by ClinVar (database versions not stated): ExAC 0.00001; gnomAD exomes 0.00001; TOPMed 0.00001.

Submission:

Labcorp Genetics (formerly Invitae), Labcorp
Classification: Uncertain significance. Last evaluated: 2024-11-06. Review status: criteria provided, single submitter. Criteria: Invitae Variant Classification Sherloc (09022015). Collection method: clinical testing. Allele origin: germline.
Comment: This sequence change falls in intron 1 of the WNT1 gene. It does not directly change the encoded amino acid sequence of the WNT1 protein. It affects a nucleotide within the consensus splice site. This variant is present in population databases (rs749548241, gnomAD 0.002%). This variant has not been reported in the literature in individuals affected with WNT1-related conditions. ClinVar contains an entry for this variant (Variation ID: 1464591). Variants that disrupt the consensus splice site are a relatively common cause of aberrant splicing (PMID: 17576681, 9536098). Algorithms developed to predict the effect of sequence changes on RNA splicing suggest that this variant may disrupt the consensus splice site. In summary, the available evidence is currently insufficient to determine the role of this variant in disease. Therefore, it has been classified as a Variant of Uncertain Significance.

Literature cited by the submitters: PubMed 17576681; PubMed 9536098.